The following is an entry in ClinVar:

NM_000124.4(ERCC6):c.3560A>C (p.His1187Pro)

Gene: ERCC6 (ERCC excision repair 6, chromatin remodeling factor; minus strand). Cytogenetic location: 10q11.23.
Variant type: single nucleotide variant.
Coding change: c.3560A>C on transcript NM_000124.4 (MANE Select); coding-DNA position 3560, A replaced by C.
Protein change: p.His1187Pro; replaces histidine 1187 with proline.
Molecular consequence: missense variant.
Genome position (GRCh38, 1-based): chr10:49,470,400, T>G on the plus strand (A>C on the coding strand, the complement: ERCC6 is on the minus strand). VCF-style: chr10-49470400-T-G. GRCh37 (hg19) VCF-style: chr10-50678446-T-G.
Other names: c.3560A>C, p.His1187Pro (NM_001346440.2); short protein forms H1187P.
Identifiers: ClinVar variation 3767776 (VCV003767776.1).

ClinVar aggregate classification (germline): Uncertain significance (1 of 4 stars; one submission).

gnomAD v4.1: 25 of 1,614,070 alleles (0.0015%); highest among the groups gnomAD compares: Non-Finnish European, 0.002%; no homozygotes.

Submission:

GeneDx
Classification: Uncertain significance. Last evaluated: 2024-09-06. Review status: criteria provided, single submitter. Criteria: GeneDx Variant Classification Process June 2021. Collection method: clinical testing. Allele origin: germline. Affected: yes.
Comment: Not observed at significant frequency in large population cohorts (gnomAD); In silico analysis supports that this missense variant has a deleterious effect on protein structure/function; Has not been previously published as pathogenic or benign to our knowledge